The following is an entry in ClinVar:

ClinVar aggregate classification (germline): Likely benign (1 of 4 stars; one submission).

Conditions:
Microcephaly 5, primary, autosomal recessive (MCPH5). Also called: ASPM Primary Microcephaly. Identifiers: Orphanet 2512, MedGen C1837501, MONDO:0012106, OMIM 608716.

gnomAD v4.1: 7 of 1,613,498 alleles (0.00043%); highest among the groups gnomAD compares: East Asian, 0.016%; no homozygotes.

Submission:

Juno Genomics, Hangzhou Juno Genomics, Inc
Classification: Likely benign for Microcephaly 5, primary, autosomal recessive. Review status: criteria provided, single submitter. Criteria: ACMG Guidelines, 2015. Collection method: clinical testing. Allele origin: germline.
Comment: Absent from controls (or at extremely low frequency if recessive) in Genome Aggregation Database.;Multiple lines of computational evidence suggest no impact on gene or gene product.

NM_018136.5(ASPM):c.1051G>A (p.Val351Met)

Gene: ASPM (assembly factor for spindle microtubules; minus strand). Cytogenetic location: 1q31.3.
Variant type: single nucleotide variant.
Coding change: c.1051G>A on transcript NM_018136.5 (MANE Select); coding-DNA position 1051, G replaced by A.
Protein change: p.Val351Met; replaces valine 351 with methionine.
Molecular consequence: missense variant.
Genome position (GRCh38, 1-based): chr1:197,143,201, C>T on the plus strand (G>A on the coding strand, the complement: ASPM is on the minus strand). VCF-style: chr1-197143201-C-T. GRCh37 (hg19) VCF-style: chr1-197112331-C-T.
Other names: c.1051G>A, p.Val351Met (NM_001206846.2); short protein forms V351M.
Identifiers: ClinVar variation 5019602 (VCV005019602.2).